The following is an entry in ClinVar:

NM_000071.3(CBS):c.1494G>A (p.Arg498=)

Gene: CBS (cystathionine beta-synthase; minus strand). Cytogenetic location: 21q22.3.
Variant type: single nucleotide variant.
Coding change: c.1494G>A on transcript NM_000071.3 (MANE Select); coding-DNA position 1494, G replaced by A.
Protein change: p.Arg498=; no amino-acid change (arginine 498 retained).
Molecular consequence: synonymous variant.
Genome position (GRCh38, 1-based): chr21:43,056,861, C>T on the plus strand (G>A on the coding strand, the complement: CBS is on the minus strand). VCF-style: chr21-43056861-C-T. GRCh37 (hg19) VCF-style: chr21-44476971-C-T.
Other names: c.1494G>A, p.Arg498= (NM_001178008.3, NM_001178009.3, NM_001320298.2); c.1179G>A, p.Arg393= (NM_001321072.1).
Identifiers: ClinVar variation 510461 (VCV000510461.12), dbSNP rs778800147, ClinGen allele CA321686668.

ClinVar aggregate classification (germline): Likely benign. Review status: criteria provided, multiple submitters, no conflicts (2 of 4 stars). 3 submissions from 3 submitters: Likely benign (3). Last evaluated 2025-02-16.

Conditions:
Classic homocystinuria. Also called: Homocystinuria due to Cystathionine Beta-Synthase Deficiency; HOMOCYSTINURIA WITH OR WITHOUT RESPONSE TO PYRIDOXINE; Homocystinuria due to CBS deficiency; Cystathionine beta-synthase deficiency; CBS deficiency. Identifiers: Orphanet 394, MedGen C0751202, MONDO:0009352, OMIM 236200.
HYPERHOMOCYSTEINEMIA, THROMBOTIC, CBS-RELATED. Identifiers: MedGen C3150344, OMIM 236200.

Allele frequency attached by ClinVar (database versions not stated): ExAC 0.00005; gnomAD exomes 0.00005.

Submissions (3):

Labcorp Genetics (formerly Invitae), Labcorp
Classification: Likely benign for HYPERHOMOCYSTEINEMIA, THROMBOTIC, CBS-RELATED. Last evaluated: 2025-02-16. Review status: criteria provided, single submitter. Criteria: Invitae Variant Classification Sherloc (09022015). Collection method: clinical testing. Allele origin: germline.

GeneDx
Classification: Likely benign. Last evaluated: 2017-06-21. Review status: criteria provided, single submitter. Criteria: GeneDx Variant Classification (06012015). Collection method: clinical testing. Allele origin: germline. Affected: yes.
Comment: This variant is considered likely benign or benign based on one or more of the following criteria: it is a conservative change, it occurs at a poorly conserved position in the protein, it is predicted to be benign by multiple in silico algorithms, and/or has population frequency not consistent with disease.

Illumina Laboratory Services, Illumina
Classification: Likely benign for Classic homocystinuria. Last evaluated: 2017-04-28. Review status: criteria provided, single submitter. Criteria: ICSL Variant Classification Criteria 13 December 2019. Collection method: clinical testing. Allele origin: germline.
Comment: This variant was observed as part of a predisposition screen in an ostensibly healthy population. A literature search was performed for the gene, cDNA change, and amino acid change (where applicable). No publications were found based on this search. Allele frequency data from public databases allowed determination this variant is unlikely to cause disease. Therefore, this variant is classified as likely benign.